The following is an entry in ClinVar:

NM_001365951.3(KIF1B):c.4067G>A (p.Arg1356His)

Gene: KIF1B (kinesin family member 1B; plus strand). Cytogenetic location: 1p36.22.
Variant type: single nucleotide variant.
Coding change: c.4067G>A on transcript NM_001365951.3 (MANE Select); coding-DNA position 4067, G replaced by A.
Protein change: p.Arg1356His; replaces arginine 1356 with histidine.
Molecular consequence: missense variant.
Genome position (GRCh38, 1-based): chr1:10,360,940, G>A. VCF-style: chr1-10360940-G-A. GRCh37 (hg19) VCF-style: chr1-10420998-G-A.
Other names: c.4067G>A, p.Arg1356His (NM_001365952.1); c.3929G>A, p.Arg1310His (NM_015074.3); short protein forms R1310H, R1356H.
Identifiers: ClinVar variation 291576 (VCV000291576.16), dbSNP rs140769726, ClinGen allele CA581983.

ClinVar aggregate classification (germline): Uncertain significance. Review status: criteria provided, multiple submitters, no conflicts (2 of 4 stars). 3 submissions from 3 submitters: Uncertain significance (3). Last evaluated 2025-12-13.

Conditions:
Charcot-Marie-Tooth disease type 2. Also called: Charcot-Marie-Tooth type 2. Identifiers: Orphanet 64746, MedGen C0270914, MONDO:0018993.
Neuroblastoma (NB). Identifiers: Orphanet 635, MedGen C0027819, MeSH D009447, MONDO:0005072, HP:0003006.

Allele frequency attached by ClinVar (database versions not stated): TOPMed 0.00001; gnomAD exomes 0.00002 and 0.00003; ESP Exome Variant Server 0.00015; ExAC 0.00001.

Submissions (3):

Labcorp Genetics (formerly Invitae), Labcorp
Classification: Uncertain significance for Charcot-Marie-Tooth disease type 2. Last evaluated: 2025-12-13. Review status: criteria provided, single submitter. Criteria: Invitae Variant Classification Sherloc (09022015). Collection method: clinical testing. Allele origin: germline.
Comment: This sequence change replaces arginine, which is basic and polar, with histidine, which is basic and polar, at codon 1310 of the KIF1B protein (p.Arg1310His). This variant is present in population databases (rs140769726, gnomAD 0.007%). This variant has not been reported in the literature in individuals affected with KIF1B-related conditions. ClinVar contains an entry for this variant (Variation ID: 291576). An algorithm developed to predict the effect of missense changes on protein structure and function (PolyPhen-2) suggests that this variant is likely to be disruptive. In summary, the available evidence is currently insufficient to determine the role of this variant in disease. Therefore, it has been classified as a Variant of Uncertain Significance.

Ambry Genetics
Classification: Uncertain significance. Last evaluated: 2025-10-07. Review status: criteria provided, single submitter. Criteria: Ambry Variant Classification Scheme 2023. Collection method: clinical testing. Allele origin: germline.
Comment: The p.R1310H variant (also known as c.3929G>A), located in coding exon 36 of the KIF1B gene, results from a G to A substitution at nucleotide position 3929. The arginine at codon 1310 is replaced by histidine, an amino acid with highly similar properties. This amino acid position is highly conserved in available vertebrate species. In addition, the in silico prediction for this alteration is inconclusive. Since supporting evidence is limited at this time, the clinical significance of this alteration remains unclear.

Illumina Laboratory Services, Illumina
Classification: Uncertain significance for Neuroblastoma. Last evaluated: 2018-01-13. Review status: criteria provided, single submitter. Criteria: ICSL Variant Classification Criteria 13 December 2019. Collection method: clinical testing. Allele origin: germline.